The following is an entry in ClinVar:

ClinVar aggregate classification (germline): Likely benign. Review status: criteria provided, multiple submitters, no conflicts (2 of 4 stars). 2 submissions from 2 submitters: Likely benign (2). Last evaluated 2025-03-01.

Conditions:
Neurodegeneration with brain iron accumulation 5 (NBIA5). Also called: STATIC ENCEPHALOPATHY OF CHILDHOOD WITH NEURODEGENERATION IN ADULTHOOD; Beta-propeller protein-associated neurodegeneration. Identifiers: Orphanet 329284, MedGen C3550973, MONDO:0010476, OMIM 300894.

Allele frequency attached by ClinVar (database versions not stated): TOPMed 0.00002; gnomAD 0.00003 and 0.00004; gnomAD exomes 0.00003 and 0.00005; ExAC 0.00005; ESP Exome Variant Server 0.00009; 1000 Genomes Project 30x 0.00021; 1000 Genomes Project 0.00026.
gnomAD v4.1: 35 of 1,210,419 alleles (0.0029%); highest among the groups gnomAD compares: Non-Finnish European, 0.0036%; no homozygotes.

Submissions (2):

CeGaT Center for Human Genetics Tuebingen
Classification: Likely benign. Last evaluated: 2025-03-01. Review status: criteria provided, single submitter. Criteria: CeGaT Center For Human Genetics Tuebingen Variant Classification Criteria Version 2. Collection method: clinical testing. Allele origin: germline. Affected: yes. Observed: 2 variant alleles.
Comment: WDR45: BP4, BP7, BS2

Labcorp Genetics (formerly Invitae), Labcorp
Classification: Likely benign for Neurodegeneration with brain iron accumulation 5. Last evaluated: 2025-02-19. Review status: criteria provided, single submitter. Criteria: Invitae Variant Classification Sherloc (09022015). Collection method: clinical testing. Allele origin: germline.

NM_001029896.2(WDR45):c.69C>T (p.Cys23=)

Genes: WDR45 (WD repeat domain 45; minus strand), LOC126863256 (BRD4-independent group 4 enhancer GRCh37_chrX:48934848-48936047; plus strand). Cytogenetic location: Xp11.23.
Variant type: single nucleotide variant.
Coding change: c.69C>T on transcript NM_001029896.2 (MANE Select); coding-DNA position 69, C replaced by T.
Protein change: p.Cys23=; no amino-acid change (cysteine 23 retained).
Molecular consequence: synonymous variant.
Genome position (GRCh38, 1-based): chrX:49,077,898, G>A on the plus strand (C>T on the coding strand, the complement: WDR45 is on the minus strand). VCF-style: chrX-49077898-G-A. GRCh37 (hg19) VCF-style: chrX-48935557-G-A.
Other names: c.69C>T, p.Cys23= (NM_007075.4).
Identifiers: ClinVar variation 708050 (VCV000708050.35), dbSNP rs190815971, ClinGen allele CA10408627.
Genomic context (GRCh38, chrX:49,077,898, plus strand): 5'-CAGATGCCCCTTCTCCATCAAGGGCTCCACGTTGTAGATGCGCACACCTGTCTCCATGGC[G>A]CAGCAAAAGCAGCCTGGGGGATGGAAGGAATCCAGACTGCCTTAAAGAATGCCCAGGTAG-3'
Protein context (NP_001025067.1, residues 13-33): RFNQDQSCFC[Cys23=]AMETGVRIYN